The following is an entry in ClinVar:

NM_018418.5(SPATA7):c.1711A>G (p.Ser571Gly)

Gene: SPATA7 (spermatogenesis associated 7; plus strand). Cytogenetic location: 14q31.3.
Variant type: single nucleotide variant.
Coding change: c.1711A>G on transcript NM_018418.5 (MANE Select); coding-DNA position 1711, A replaced by G.
Protein change: p.Ser571Gly; replaces serine 571 with glycine.
Molecular consequence: missense variant.
Genome position (GRCh38, 1-based): chr14:88,438,333, A>G. VCF-style: chr14-88438333-A-G. GRCh37 (hg19) VCF-style: chr14-88904677-A-G.
Other names: c.1711A>G (NM_018418.4); c.1615A>G, p.Ser539Gly (NM_001040428.4); short protein forms S539G, S571G.
Identifiers: ClinVar variation 1022300 (VCV001022300.7), dbSNP rs369285856, ClinGen allele CA264545768.

ClinVar aggregate classification (germline): Uncertain significance. Review status: criteria provided, multiple submitters, no conflicts (2 of 4 stars). 3 submissions from 3 submitters: Uncertain significance (3). Last evaluated 2024-09-03.

Conditions:
Leber congenital amaurosis 3 (LCA3). Also called: SPATA7-Related Retinitis Pigmentosa. Identifiers: MedGen C1858677, MONDO:0011415, OMIM 604232.
Inborn genetic diseases. Identifiers: MedGen C0950123, MeSH D030342.

Allele frequency attached by ClinVar (database versions not stated): gnomAD exomes 0.00001 and 0.00002; gnomAD 0.00004; TOPMed 0.00006; ESP Exome Variant Server 0.00008.
gnomAD v4.1: 42 of 1,613,954 alleles (0.0026%); highest among the groups gnomAD compares: East Asian, 0.02%; no homozygotes.

Submissions (3):

Labcorp Genetics (formerly Invitae), Labcorp
Classification: Uncertain significance for Leber congenital amaurosis 3. Last evaluated: 2024-09-03. Review status: criteria provided, single submitter. Criteria: Invitae Variant Classification Sherloc (09022015). Collection method: clinical testing. Allele origin: germline.
Comment: This sequence change replaces serine, which is neutral and polar, with glycine, which is neutral and non-polar, at codon 571 of the SPATA7 protein (p.Ser571Gly). This variant is present in population databases (rs369285856, gnomAD 0.02%). This variant has not been reported in the literature in individuals affected with SPATA7-related conditions. ClinVar contains an entry for this variant (Variation ID: 1022300). Invitae Evidence Modeling of protein sequence and biophysical properties (such as structural, functional, and spatial information, amino acid conservation, physicochemical variation, residue mobility, and thermodynamic stability) indicates that this missense variant is not expected to disrupt SPATA7 protein function with a negative predictive value of 80%. In summary, the available evidence is currently insufficient to determine the role of this variant in disease. Therefore, it has been classified as a Variant of Uncertain Significance.

Ambry Genetics
Classification: Uncertain significance for Inborn genetic diseases. Last evaluated: 2024-04-09. Review status: criteria provided, single submitter. Criteria: Ambry Variant Classification Scheme 2023. Collection method: clinical testing. Allele origin: germline.

Blueprint Genetics
Classification: Uncertain significance. Last evaluated: 2022-09-26. Review status: criteria provided, single submitter. Criteria: ACMG Guidelines, 2015. Collection method: clinical testing. Allele origin: germline.